The following is an entry in ClinVar:

NM_000138.5(FBN1):c.1902del (p.Tyr635fs)

Gene: FBN1 (fibrillin 1; minus strand). Cytogenetic location: 15q21.1.
Variant type: Deletion.
Coding change: c.1902del on transcript NM_000138.5 (MANE Select); coding-DNA position 1902, one base deleted (C; older notation c.1902delC).
Protein change: p.Tyr635fs; shifts the reading frame from tyrosine 635.
Molecular consequence: frameshift variant.
Genome position (GRCh38, 1-based): chr15:48,505,083, G deleted on the plus strand (C on the coding strand, the reverse complement: FBN1 is on the minus strand); the first of 2 consecutive G bases (chr15:48,505,083-48,505,084); deleting either gives the same sequence. VCF-style (leftmost placement, unchanged base first): chr15-48505082-AG-A. GRCh37 (hg19) VCF-style: chr15-48797279-AG-A.
Other names: c.1902del, p.Tyr635fs (NM_001406716.1); short protein forms Y635fs.
Identifiers: ClinVar variation 3758613 (VCV003758613.2).

ClinVar aggregate classification (germline): Pathogenic (1 of 4 stars; one submission).

Conditions:
Marfan syndrome (MFS). Also called: MARFAN SYNDROME, TYPE I; Marfan syndrome type 1; Marfan's syndrome; Marfan syndrome, classic; FBN1-Related Marfan Syndrome. Identifiers: Orphanet 284963, Orphanet 558, MedGen C0024796, MONDO:0007947, OMIM 154700.
Familial thoracic aortic aneurysm and aortic dissection (TAAD). Also called: Thoracic aortic aneurysms and dissections. Identifiers: Orphanet 91387, MedGen C4707243, MONDO:0019625.

Submission:

Labcorp Genetics (formerly Invitae), Labcorp
Classification: Pathogenic for Marfan syndrome; Familial thoracic aortic aneurysm and aortic dissection. Last evaluated: 2024-09-11. Review status: criteria provided, single submitter. Criteria: Invitae Variant Classification Sherloc (09022015). Collection method: clinical testing. Allele origin: germline.
Comment: This sequence change creates a premature translational stop signal (p.Tyr635Thrfs*83) in the FBN1 gene. It is expected to result in an absent or disrupted protein product. Loss-of-function variants in FBN1 are known to be pathogenic (PMID: 17657824, 19293843). This variant is not present in population databases (gnomAD no frequency). This variant has not been reported in the literature in individuals affected with FBN1-related conditions. For these reasons, this variant has been classified as Pathogenic.

Literature cited by the submitters: PubMed 17657824; PubMed 19293843.